The following is an entry in ClinVar:

ClinVar aggregate classification (germline): Likely benign (1 of 4 stars; one submission).

gnomAD v4.1: 386 of 1,607,844 alleles (0.024%); highest among the groups gnomAD compares: African/African-American, 0.46%; 1 homozygote.

Submission:

CeGaT Center for Human Genetics Tuebingen
Classification: Likely benign. Last evaluated: 2025-12-01. Review status: criteria provided, single submitter. Criteria: CeGaT Center For Human Genetics Tuebingen Variant Classification Criteria Version 2. Collection method: clinical testing. Allele origin: germline. Affected: yes. Observed: 1 variant allele.
Comment: VPS35L: BP4, BP7

NM_020314.7(VPS35L):c.-22A>G

Gene: VPS35L (VPS35 endosomal protein sorting factor like; plus strand). Cytogenetic location: 16p12.3.
Variant type: single nucleotide variant.
Coding change: c.-22A>G on transcript NM_020314.7 (MANE Select); 22 bases upstream of the start codon, A replaced by G.
Molecular consequence: 5 prime UTR variant. On other transcripts: non-coding transcript variant (2).
Genome position (GRCh38, 1-based): chr16:19,555,708, A>G. VCF-style: chr16-19555708-A-G. GRCh37 (hg19) VCF-style: chr16-19567030-A-G.
Other names: c.-22A>G (NM_001300743.3, NM_001365293.2, NM_001365294.2); c.-981A>G (NM_001365295.2).
Identifiers: ClinVar variation 4681400 (VCV004681400.5).